The following is an entry in ClinVar:

NM_001556.3(IKBKB):c.2104G>A (p.Ala702Thr)

Gene: IKBKB (inhibitor of nuclear factor kappa B kinase subunit beta; plus strand). Cytogenetic location: 8p11.21.
Variant type: single nucleotide variant.
Coding change: c.2104G>A on transcript NM_001556.3 (MANE Select); coding-DNA position 2104, G replaced by A.
Protein change: p.Ala702Thr; replaces alanine 702 with threonine.
Molecular consequence: missense variant. On other transcripts: non-coding transcript variant (3).
Genome position (GRCh38, 1-based): chr8:42,326,087, G>A. VCF-style: chr8-42326087-G-A. GRCh37 (hg19) VCF-style: chr8-42183605-G-A.
Other names: c.1912G>A, p.Ala638Thr (NM_001190720.3); c.1927G>A, p.Ala643Thr (NM_001242778.2); c.2104G>A (NM_001556.2); short protein forms A702T, A638T, A643T.
Identifiers: ClinVar variation 1505808 (VCV001505808.4), dbSNP rs200260868, ClinGen allele CA175976243.
Genomic context (GRCh38, chr8:42,326,087, plus strand): 5'-AGCCAGCCTGGGCAGCTGATGTCTCAGCCCTCCACGGCCTCCAACAGCTTACCTGAGCCA[G>A]CCAAGAAGAGGTAGGTCCTCCTTAGCAGTGCCAAGTGTGACCATCAAGGGCACGTCAGGA-3'
Protein context (NP_001547.1, residues 692-712): STASNSLPEP[Ala702Thr]KKSEELVAEA

ClinVar aggregate classification (germline): Uncertain significance. Review status: criteria provided, multiple submitters, no conflicts (2 of 4 stars). 2 submissions from 2 submitters: Uncertain significance (2). Last evaluated 2022-12-01.

Conditions:
Severe combined immunodeficiency due to IKK2 deficiency. Also called: Immunodeficiency 15; IMMUNODEFICIENCY 15B. Identifiers: Orphanet 397787, MedGen C4747743, MONDO:0014267, OMIM 615592.
Inborn genetic diseases. Identifiers: MedGen C0950123, MeSH D030342.

Allele frequency attached by ClinVar (database versions not stated): gnomAD 0.00001; TOPMed 0.00001.
gnomAD v4.1: 21 of 1,614,104 alleles (0.0013%); highest among the groups gnomAD compares: Non-Finnish European, 0.0017%; no homozygotes.

Submissions (2):

Ambry Genetics
Classification: Uncertain significance for Inborn genetic diseases. Last evaluated: 2022-12-01. Review status: criteria provided, single submitter. Criteria: Ambry Variant Classification Scheme 2023. Collection method: clinical testing. Allele origin: germline.

Labcorp Genetics (formerly Invitae), Labcorp
Classification: Uncertain significance for Severe combined immunodeficiency due to IKK2 deficiency. Last evaluated: 2022-06-13. Review status: criteria provided, single submitter. Criteria: Invitae Variant Classification Sherloc (09022015). Collection method: clinical testing. Allele origin: germline.
Comment: This sequence change replaces alanine, which is neutral and non-polar, with threonine, which is neutral and polar, at codon 702 of the IKBKB protein (p.Ala702Thr). This variant is not present in population databases (gnomAD no frequency). This variant has not been reported in the literature in individuals affected with IKBKB-related conditions. Advanced modeling of protein sequence and biophysical properties (such as structural, functional, and spatial information, amino acid conservation, physicochemical variation, residue mobility, and thermodynamic stability) performed at Invitae indicates that this missense variant is not expected to disrupt IKBKB protein function. In summary, the available evidence is currently insufficient to determine the role of this variant in disease. Therefore, it has been classified as a Variant of Uncertain Significance.